The following is an entry in ClinVar:

NM_000051.4(ATM):c.2012T>A (p.Ile671Lys)

Gene: ATM (ATM serine/threonine kinase; plus strand). Cytogenetic location: 11q22.3.
Variant type: single nucleotide variant.
Coding change: c.2012T>A on transcript NM_000051.4 (MANE Select); coding-DNA position 2012, T replaced by A.
Protein change: p.Ile671Lys; replaces isoleucine 671 with lysine.
Molecular consequence: missense variant.
Genome position (GRCh38, 1-based): chr11:108,253,927, T>A. VCF-style: chr11-108253927-T-A. GRCh37 (hg19) VCF-style: chr11-108124654-T-A.
Other names: c.2012T>A, p.Ile671Lys (NM_001351834.2); short protein forms I671K.
Identifiers: ClinVar variation 185852 (VCV000185852.28), dbSNP rs750897021, ClinGen allele CA193161.
Genomic context (GRCh38, chr11:108,253,927, plus strand): 5'-TATTTCTTCAGACAACTTTTGACAAGATGGACTTTTTAACCATTGTGAGAGAATGTGGTA[T>A]AGAAAAGCACCAGTCCAGTATTGGCTTCTCTGTCCACCAGAATCTCAAGGAATCACTGGA-3'
Protein context (NP_000042.3, residues 661-681): DFLTIVRECG[Ile671Lys]EKHQSSIGFS

ClinVar aggregate classification (germline): Uncertain significance. Review status: criteria provided, multiple submitters, no conflicts (2 of 4 stars). 9 submissions from 9 submitters: Uncertain significance (8). 1 of the submissions does not count toward it. Last evaluated 2026-06-05.

Conditions:
ATM-related cancer predisposition. Also called: ATM-related cancer susceptibility. Identifiers: MedGen CN377759, MONDO:0700270.
Ataxia-telangiectasia syndrome (AT). Also called: Cerebello-oculocutaneous telangiectasia; Immunodeficiency with ataxia telangiectasia; Ataxia-telangiectasia, complementation group D; AT, COMPLEMENTATION GROUP C; ATAXIA-TELANGIECTASIA, COMPLEMENTATION GROUP A; ATAXIA-TELANGIECTASIA, FRESNO VARIANT. Identifiers: Orphanet 100, MedGen C0004135, MONDO:0008840, OMIM 208900.
Hereditary cancer-predisposing syndrome. Also called: Hereditary Cancer Syndrome; Tumor predisposition; Hereditary neoplastic syndrome; Neoplastic Syndromes, Hereditary. Identifiers: Orphanet 140162, MedGen C0027672, MeSH D009386, MONDO:0015356.

Allele frequency attached by ClinVar (database versions not stated): gnomAD exomes 0.00001; TOPMed 0.00002.
gnomAD v4.1: 6 of 1,614,106 alleles (0.00037%); highest among the groups gnomAD compares: Admixed American, 0.0067%; no homozygotes.

Submissions (9):

Women's Health and Genetics/Laboratory Corporation of America, LabCorp
Classification: Uncertain significance. Last evaluated: 2026-06-05. Review status: criteria provided, single submitter. Criteria: LabCorp Variant Classification Summary - May 2015. Collection method: clinical testing. Allele origin: germline.
Comment: Variant summary: ATM c.2012T>A (p.Ile671Lys) results in a non-conservative amino acid change in the encoded protein sequence. Algorithms developed to predict the effect of missense changes on protein structure and function are either unavailable or do not agree on the potential impact of this missense change. The variant allele was found at a frequency of 8e-06 in 251404 control chromosomes. The available data on variant occurrences in the general population are insufficient to allow any conclusion about variant significance. c.2012T>A has been observed in individual(s) affected with ATM-related conditions (Ren_2021, Weitzel_2019). These report(s) do not provide unequivocal conclusions about association of the variant with disease. To our knowledge, no experimental evidence demonstrating an impact on protein function has been reported. The following publications have been ascertained in the context of this evaluation (PMID: 34196900, 31206626). ClinVar contains an entry for this variant (Variation ID: 185852). Based on the evidence outlined above, the variant was classified as uncertain significance.

Labcorp Genetics (formerly Invitae), Labcorp
Classification: Uncertain significance for Ataxia-telangiectasia syndrome. Last evaluated: 2026-01-11. Review status: criteria provided, single submitter. Criteria: Invitae Variant Classification Sherloc (09022015). Collection method: clinical testing. Allele origin: germline.
Comment: This sequence change replaces isoleucine, which is neutral and non-polar, with lysine, which is basic and polar, at codon 671 of the ATM protein (p.Ile671Lys). This variant is present in population databases (rs750897021, gnomAD 0.003%). This missense change has been observed in individual(s) with breast cancer (PMID: 31206626, 34196900). ClinVar contains an entry for this variant (Variation ID: 185852). Invitae Evidence Modeling of protein sequence and biophysical properties (such as structural, functional, and spatial information, amino acid conservation, physicochemical variation, residue mobility, and thermodynamic stability) indicates that this missense variant is not expected to disrupt ATM protein function with a negative predictive value of 95%. RNA analysis performed to evaluate the impact of this missense change on mRNA splicing indicates it does not significantly alter splicing (internal data). In summary, the available evidence is currently insufficient to determine the role of this variant in disease. Therefore, it has been classified as a Variant of Uncertain Significance.

Color Diagnostics, LLC DBA Color Health
Classification: Uncertain significance for Hereditary cancer-predisposing syndrome. Last evaluated: 2025-10-29. Review status: criteria provided, single submitter. Criteria: ACMG Guidelines, 2015. Collection method: clinical testing. Allele origin: germline.
Comment: This missense variant replaces isoleucine with lysine at codon 671 of the ATM protein. Computational prediction suggests that this variant may not impact protein structure and function. To our knowledge, functional studies have not been reported for this variant. This variant has been reported in individuals affected with breast cancer (PMID: 31206626, 34196900). This variant has been identified in 2/251404 chromosomes in the general population by the Genome Aggregation Database (gnomAD). The available evidence is insufficient to determine the role of this variant in disease conclusively. Therefore, this variant is classified as a Variant of Uncertain Significance.

Ambry Genetics
Classification: Uncertain significance for Hereditary cancer-predisposing syndrome. Last evaluated: 2025-08-30. Review status: criteria provided, single submitter. Criteria: Ambry Variant Classification Scheme 2023. Collection method: clinical testing. Allele origin: germline.

Center for Genomic Medicine, Rigshospitalet, Copenhagen University Hospital
Classification: Uncertain significance. Last evaluated: 2025-03-04. Review status: criteria provided, single submitter. Criteria: ACMG Guidelines, 2015. Collection method: clinical testing. Allele origin: germline.

Hema, HEMA – Genetic and Molecular Diagnostic Laboratory
Classification: Uncertain significance for ATM-related cancer predisposition. Last evaluated: 2025-01-15. Review status: criteria provided, single submitter. Criteria: HEMA Variant Classification Assertion Criteria. Collection method: clinical testing. Allele origin: germline.
Comment: The c.2012T>A variant is a transversion from thymine to adenine, resulting in the substitution of isoleucine 671 with lysine in the ATM protein. BP4: the score of the computational metapredictor REVEL = 0.088 ≤ 0.249, indicating that the variant would not have an effect on the ATM protein.

Quest Diagnostics Nichols Institute San Juan Capistrano
Classification: Uncertain significance. Last evaluated: 2024-08-28. Review status: criteria provided, single submitter. Criteria: Quest Diagnostics criteria. Collection method: clinical testing. Allele origin: unknown.
Comment: The ATM c.2012T>A (p.Ile671Lys) variant has been reported in the published literature in in individuals with a personal and/or family history of breast cancer (PMID: 34196900 (2021), 31206626 (2019)). The frequency of this variant in the general population, 0.000008 (2/251404 chromosomes (Genome Aggregation Database)), is uninformative in the assessment of its pathogenicity. Analysis of this variant using bioinformatics tools for the prediction of the effect of amino acid changes on protein structure and function yielded predictions that this variant is benign. Based on the available information, we are unable to determine the clinical significance of this variant.

Spanish ATM Cancer Susceptibility Variant Interpretation Working Group
Classification: Uncertain significance for Hereditary cancer-predisposing syndrome. Last evaluated: 2020-06-17. Review status: criteria provided, single submitter. Criteria: Feliubadaló L et al. (Clin Chem 2021). Collection method: clinical testing. Allele origin: germline. Affected: yes. Observed: 1 heterozygote.
Comment: The c.2012T>A (p.Ile671Lys) variant has an allele frequency of 0.0000084 (0.0008%, 2/ 236,866 alleles) in the gnomAD v2.1.1 non-cancer dataset, with a maximal frequency of 0.00005838 (0.006%, 2/34,260 alleles) in the Latino / Admixed American subpopulation (no population frequency criterion met). It is not predicted to lead to a splicing alteration according to SPiCE. A new acceptor site is created/activated, according to SSF and MaxEnt, but its score does not exceed the natural one. Furthermore, this missense variant does not alter the protein function / structure on the in-silico prediction reports of REVEL and Vest4 (BP4). There is no other supporting information to consider any other evidence. Therefore, the clinical significance of this variant is uncertain. Adapted ACMG/AMP rules were applied as defined by the Spanish-ATM Variant Curation Panel: BP4 (PMID: 33280026).

Natera, Inc.
Classification: Uncertain significance for Ataxia-telangiectasia. Last evaluated: 2020-02-26. Review status: no assertion criteria provided. Collection method: clinical testing. Allele origin: germline. Not counted in ClinVar's aggregate classification.

Literature cited by the submitters: PubMed 31206626 (cited by 4 submitters); PubMed 34196900 (cited by 4 submitters).